The following is an entry in ClinVar:

NM_003072.5(SMARCA4):c.2214C>T (p.Val738=)

Gene: SMARCA4 (SWI/SNF related BAF chromatin remodeling complex subunit ATPase 4; plus strand). Cytogenetic location: 19p13.2.
Variant type: single nucleotide variant.
Coding change: c.2214C>T on transcript NM_003072.5 (MANE Select); coding-DNA position 2214, C replaced by T.
Protein change: p.Val738=; no amino-acid change (valine 738 retained).
Molecular consequence: synonymous variant. On other transcripts: non-coding transcript variant (1).
Genome position (GRCh38, 1-based): chr19:11,010,471, C>T. VCF-style: chr19-11010471-C-T. GRCh37 (hg19) VCF-style: chr19-11121147-C-T.
Other names: c.2214C>T, p.Val738= (NM_001128844.3, NM_001128845.2, NM_001128846.2 and 4 more transcripts).
Identifiers: ClinVar variation 698872 (VCV000698872.17), dbSNP rs1186978984, ClinGen allele CA505487403.

ClinVar aggregate classification (germline): Benign/Likely benign. Review status: criteria provided, multiple submitters, no conflicts (2 of 4 stars). 4 submissions from 4 submitters: Benign (1); Likely benign (3). Last evaluated 2026-07-13.

Conditions:
Hereditary cancer-predisposing syndrome. Also called: Hereditary neoplastic syndrome; Neoplastic Syndromes, Hereditary; Tumor predisposition; Hereditary Cancer Syndrome. Identifiers: Orphanet 140162, MedGen C0027672, MeSH D009386, MONDO:0015356.
Rhabdoid tumor predisposition syndrome 2 (RTPS2). Identifiers: Orphanet 231108, Orphanet 69077, MedGen C2750074, MONDO:0013224, OMIM 613325.

Allele frequency attached by ClinVar (database versions not stated): gnomAD exomes below 0.00001; TOPMed below 0.00001; gnomAD 0.00001.
gnomAD v4.1: 23 of 1,613,984 alleles (0.0014%); highest among the groups gnomAD compares: Non-Finnish European, 0.0019%; no homozygotes.

Submissions (4):

Myriad Genetics, Inc.
Classification: Benign for Rhabdoid tumor predisposition syndrome 2. Last evaluated: 2026-07-13. Review status: criteria provided, single submitter. Criteria: Myriad Autosomal Dominant, Autosomal Recessive and X-Linked Classification Criteria (2023). Collection method: clinical testing. Allele origin: unknown.
Comment: This variant is considered benign. This variant is a silent/synonymous amino acid change and it is not expected to impact splicing.

Labcorp Genetics (formerly Invitae), Labcorp
Classification: Likely benign for Rhabdoid tumor predisposition syndrome 2. Last evaluated: 2026-02-03. Review status: criteria provided, single submitter. Criteria: Invitae Variant Classification Sherloc (09022015). Collection method: clinical testing. Allele origin: germline.

Blueprint Genetics
Classification: Likely benign. Last evaluated: 2020-04-07. Review status: criteria provided, single submitter. Criteria: ACMG Guidelines, 2015. Collection method: clinical testing. Allele origin: germline.

Ambry Genetics
Classification: Likely benign for Hereditary cancer-predisposing syndrome. Last evaluated: 2015-11-25. Review status: criteria provided, single submitter. Criteria: Ambry Variant Classification Scheme 2023. Collection method: clinical testing. Allele origin: germline.